The following is an entry in ClinVar:

ClinVar aggregate classification (germline): Likely benign. Review status: criteria provided, multiple submitters, no conflicts (2 of 4 stars). 6 submissions from 6 submitters: Likely benign (5). 1 of the submissions does not count toward it. Last evaluated 2026-01-20.

Conditions:
ZNF469-related disorder. Also called: ZNF469-related condition.
Cardiovascular phenotype. Identifiers: MedGen CN230736.

Allele frequency attached by ClinVar (database versions not stated): ExAC 0.00099; gnomAD 0.00007 and 0.00016; TOPMed 0.00009; 1000 Genomes Project 0.00020; gnomAD exomes 0.00026 and 0.00040; 1000 Genomes Project 30x 0.00062.
gnomAD v4.1: 380 of 1,548,716 alleles (0.025%); highest among the groups gnomAD compares: South Asian, 0.24%; 1 homozygote.

Submissions (6):

Labcorp Genetics (formerly Invitae), Labcorp
Classification: Likely benign. Last evaluated: 2026-01-20. Review status: criteria provided, single submitter. Criteria: Invitae Variant Classification Sherloc (09022015). Collection method: clinical testing. Allele origin: germline.

Women's Health and Genetics/Laboratory Corporation of America, LabCorp
Classification: Likely benign. Last evaluated: 2025-05-16. Review status: criteria provided, single submitter. Criteria: LabCorp Variant Classification Summary - May 2015. Collection method: clinical testing. Allele origin: germline.

Mayo Clinic Laboratories, Mayo Clinic
Classification: Likely benign. Last evaluated: 2024-12-31. Review status: criteria provided, single submitter. Criteria: ACMG Guidelines, 2015. Collection method: clinical testing. Allele origin: germline. Observed: 1 variant allele.
Comment: BS1, BP4, BP7

Ambry Genetics
Classification: Likely benign for Cardiovascular phenotype. Last evaluated: 2022-03-23. Review status: criteria provided, single submitter. Criteria: Ambry Variant Classification Scheme 2023. Collection method: clinical testing. Allele origin: germline.

GeneDx
Classification: Likely benign. Last evaluated: 2021-03-24. Review status: criteria provided, single submitter. Criteria: GeneDx Variant Classification Process June 2021. Collection method: clinical testing. Allele origin: germline. Affected: yes.

PreventionGenetics, part of Exact Sciences
Classification: Likely benign for ZNF469-related condition. Last evaluated: 2019-04-05. Review status: no assertion criteria provided. Collection method: clinical testing. Allele origin: germline. Not counted in ClinVar's aggregate classification.
Comment: This variant is classified as likely benign based on ACMG/AMP sequence variant interpretation guidelines (Richards et al. 2015 PMID: 25741868, with internal and published modifications).

NM_001367624.2(ZNF469):c.6261G>A (p.Ala2087=)

Gene: ZNF469 (zinc finger protein 469; plus strand). Cytogenetic location: 16q24.2.
Variant type: single nucleotide variant.
Coding change: c.6261G>A on transcript NM_001367624.2 (MANE Select); coding-DNA position 6261, G replaced by A.
Protein change: p.Ala2087=; no amino-acid change (alanine 2087 retained).
Molecular consequence: synonymous variant.
Genome position (GRCh38, 1-based): chr16:88,433,731, G>A. VCF-style: chr16-88433731-G-A. GRCh37 (hg19) VCF-style: chr16-88500139-G-A.
Other names: NM_001127464.1:c.6177G>A; NM_001127464.2:c.6177G>A; p.Ala2087=.
Identifiers: ClinVar variation 1199567 (VCV001199567.17), dbSNP rs539874684, ClinGen allele CA8225135.